The following is an entry in ClinVar:

ClinVar aggregate classification (germline): Uncertain significance (1 of 4 stars; one submission).

Conditions:
Tuberous sclerosis 2 (TSC2). Identifiers: Orphanet 805, MedGen C1860707, MONDO:0013199, OMIM 613254.

Submission:

Labcorp Genetics (formerly Invitae), Labcorp
Classification: Uncertain significance for Tuberous sclerosis 2. Last evaluated: 2021-10-01. Review status: criteria provided, single submitter. Criteria: Invitae Variant Classification Sherloc (09022015). Collection method: clinical testing. Allele origin: germline.
Comment: In summary, the available evidence is currently insufficient to determine the role of this variant in disease. Therefore, it has been classified as a Variant of Uncertain Significance. Advanced modeling of protein sequence and biophysical properties (such as structural, functional, and spatial information, amino acid conservation, physicochemical variation, residue mobility, and thermodynamic stability) performed at Invitae indicates that this missense variant is not expected to disrupt TSC2 protein function. This variant has not been reported in the literature in individuals affected with TSC2-related conditions. This variant is not present in population databases (ExAC no frequency). This sequence change replaces alanine with glycine at codon 103 of the TSC2 protein (p.Ala103Gly). The alanine residue is weakly conserved and there is a small physicochemical difference between alanine and glycine.

NM_000548.5(TSC2):c.308C>G (p.Ala103Gly)

Gene: TSC2 (TSC complex subunit 2; plus strand). Cytogenetic location: 16p13.3.
Variant type: single nucleotide variant.
Coding change: c.308C>G on transcript NM_000548.5 (MANE Select); coding-DNA position 308, C replaced by G.
Protein change: p.Ala103Gly; replaces alanine 103 with glycine.
Molecular consequence: missense variant. On other transcripts: intron variant (2).
Genome position (GRCh38, 1-based): chr16:2,053,424, C>G. VCF-style: chr16-2053424-C-G. GRCh37 (hg19) VCF-style: chr16-2103425-C-G.
Other names: c.308C>G, p.Ala103Gly (NM_001077183.3, NM_001114382.3, NM_001363528.2 and 3 more transcripts); c.161C>G, p.Ala54Gly (NM_001318829.2); c.341C>G, p.Ala114Gly (NM_001318832.2); c.226-872C>G (NM_001318827.2); c.-1-2772C>G (NM_001318831.2); short protein forms A103G, A114G, A54G.
Identifiers: ClinVar variation 1379701 (VCV001379701.6), dbSNP rs1555497043, ClinGen allele CA394305900.